The following is an entry in ClinVar:

ClinVar aggregate classification (germline): Uncertain significance (1 of 4 stars; one submission).

Submission:

Labcorp Genetics (formerly Invitae), Labcorp
Classification: Uncertain significance. Last evaluated: 2024-06-20. Review status: criteria provided, single submitter. Criteria: Invitae Variant Classification Sherloc (09022015). Collection method: clinical testing. Allele origin: germline.
Comment: This sequence change replaces alanine, which is neutral and non-polar, with threonine, which is neutral and polar, at codon 144 of the YWHAG protein (p.Ala144Thr). This variant is present in population databases (no rsID available, gnomAD 0.003%). This variant has not been reported in the literature in individuals affected with YWHAG-related conditions. Advanced modeling of protein sequence and biophysical properties (such as structural, functional, and spatial information, amino acid conservation, physicochemical variation, residue mobility, and thermodynamic stability) performed at Invitae indicates that this missense variant is not expected to disrupt YWHAG protein function with a negative predictive value of 80%. In summary, the available evidence is currently insufficient to determine the role of this variant in disease. Therefore, it has been classified as a Variant of Uncertain Significance.

NM_012479.4(YWHAG):c.430G>A (p.Ala144Thr)

Gene: YWHAG (tyrosine 3-monooxygenase/tryptophan 5-monooxygenase activation protein gamma; minus strand). Cytogenetic location: 7q11.23.
Variant type: single nucleotide variant.
Coding change: c.430G>A on transcript NM_012479.4 (MANE Select); coding-DNA position 430, G replaced by A.
Protein change: p.Ala144Thr; replaces alanine 144 with threonine.
Molecular consequence: missense variant.
Genome position (GRCh38, 1-based): chr7:76,329,891, C>T on the plus strand (G>A on the coding strand, the complement: YWHAG is on the minus strand). VCF-style: chr7-76329891-C-T. GRCh37 (hg19) VCF-style: chr7-75959208-C-T.
Other names: short protein forms A144T.
Identifiers: ClinVar variation 3669253 (VCV003669253.2).